The following is an entry in ClinVar:

ClinVar aggregate classification (germline): Uncertain significance (1 of 4 stars; one submission).

Conditions:
Familial thoracic aortic aneurysm and aortic dissection (TAAD). Also called: Thoracic aortic aneurysms and dissections. Identifiers: Orphanet 91387, MedGen C4707243, MONDO:0019625.

Allele frequency attached by ClinVar (database versions not stated): ExAC 0.00001; gnomAD exomes 0.00001; gnomAD 0.00003; TOPMed 0.00003; ESP Exome Variant Server 0.00008.
gnomAD v4.1: 7 of 1,613,792 alleles (0.00043%); highest among the groups gnomAD compares: African/African-American, 0.008%; no homozygotes.

Submission:

Ambry Genetics
Classification: Uncertain significance for Familial thoracic aortic aneurysm and aortic dissection. Last evaluated: 2019-06-27. Review status: criteria provided, single submitter. Criteria: Ambry Variant Classification Scheme 2023. Collection method: clinical testing. Allele origin: germline.
Comment: The p.G666R variant (also known as c.1996G>A), located in coding exon 15 of the FBN2 gene, results from a G to A substitution at nucleotide position 1996. The glycine at codon 666 is replaced by arginine, an amino acid with dissimilar properties. This amino acid position is highly conserved in available vertebrate species. In addition, this alteration is predicted to be deleterious by in silico analysis. Since supporting evidence is limited at this time, the clinical significance of this alteration remains unclear.

NM_001999.4(FBN2):c.1996G>A (p.Gly666Arg)

Gene: FBN2 (fibrillin 2; minus strand). Cytogenetic location: 5q23.3.
Variant type: single nucleotide variant.
Coding change: c.1996G>A on transcript NM_001999.4 (MANE Select); coding-DNA position 1996, G replaced by A.
Protein change: p.Gly666Arg; replaces glycine 666 with arginine.
Molecular consequence: missense variant.
Genome position (GRCh38, 1-based): chr5:128,374,727, C>T on the plus strand (G>A on the coding strand, the complement: FBN2 is on the minus strand). VCF-style: chr5-128374727-C-T. GRCh37 (hg19) VCF-style: chr5-127710420-C-T.
Other names: short protein forms G666R.
Identifiers: ClinVar variation 1784058 (VCV001784058.2), dbSNP rs145132117, ClinGen allele CA3395674.